The following is an entry in ClinVar:

ClinVar aggregate classification (germline): Conflicting classifications of pathogenicity. Review status: criteria provided, conflicting classifications (1 of 4 stars). 2 submissions from 2 submitters: Uncertain significance (1); Likely benign (1). Last evaluated 2025-06-10.

Conditions:
Hereditary cancer-predisposing syndrome. Also called: Hereditary Cancer Syndrome; Tumor predisposition; Neoplastic Syndromes, Hereditary; Hereditary neoplastic syndrome. Identifiers: Orphanet 140162, MedGen C0027672, MeSH D009386, MONDO:0015356.
Familial cancer of breast. Also called: BREAST CANCER, FAMILIAL; Hereditary breast cancer; hereditary breast carcinoma. Identifiers: Orphanet 227535, MedGen C0346153, MONDO:0016419, OMIM 114480. Disease mechanism: loss of function.

Submissions (2):

Ambry Genetics
Classification: Likely benign for Hereditary cancer-predisposing syndrome. Last evaluated: 2025-06-10. Review status: criteria provided, single submitter. Criteria: Ambry Variant Classification Scheme 2023. Collection method: clinical testing. Allele origin: germline.

Labcorp Genetics (formerly Invitae), Labcorp
Classification: Uncertain significance for Familial cancer of breast. Last evaluated: 2025-04-21. Review status: criteria provided, single submitter. Criteria: Invitae Variant Classification Sherloc (09022015). Collection method: clinical testing. Allele origin: germline.
Comment: This sequence change replaces arginine, which is basic and polar, with proline, which is neutral and non-polar, at codon 21 of the BARD1 protein (p.Arg21Pro). This variant is not present in population databases (gnomAD no frequency). This variant has not been reported in the literature in individuals affected with BARD1-related conditions. ClinVar contains an entry for this variant (Variation ID: 1015687). An algorithm developed to predict the effect of missense changes on protein structure and function outputs the following: PolyPhen-2: "Benign". The proline amino acid residue is found in multiple mammalian species, which suggests that this missense change does not adversely affect protein function. In summary, the available evidence is currently insufficient to determine the role of this variant in disease. Therefore, it has been classified as a Variant of Uncertain Significance.

NM_000465.4(BARD1):c.62G>C (p.Arg21Pro)

Gene: BARD1 (BRCA1 associated RING domain 1; minus strand). Cytogenetic location: 2q35.
Variant type: single nucleotide variant.
Coding change: c.62G>C on transcript NM_000465.4 (MANE Select); coding-DNA position 62, G replaced by C.
Protein change: p.Arg21Pro; replaces arginine 21 with proline.
Molecular consequence: missense variant. On other transcripts: non-coding transcript variant (3).
Genome position (GRCh38, 1-based): chr2:214,809,508, C>G on the plus strand (G>C on the coding strand, the complement: BARD1 is on the minus strand). VCF-style: chr2-214809508-C-G. GRCh37 (hg19) VCF-style: chr2-215674232-C-G.
Other names: c.62G>C, p.Arg21Pro (NM_001282543.2, NM_001282545.2, NM_001282548.2 and 1 more transcripts); short protein forms R21P.
Identifiers: ClinVar variation 1015687 (VCV001015687.12), dbSNP rs1696468454, ClinGen allele CA350465208.